The following is an entry in ClinVar:

NM_005562.3(LAMC2):c.2423C>T (p.Pro808Leu)

Gene: LAMC2 (laminin subunit gamma 2; plus strand). Cytogenetic location: 1q25.3.
Variant type: single nucleotide variant.
Coding change: c.2423C>T on transcript NM_005562.3 (MANE Select); coding-DNA position 2423, C replaced by T.
Protein change: p.Pro808Leu; replaces proline 808 with leucine.
Molecular consequence: missense variant.
Genome position (GRCh38, 1-based): chr1:183,235,697, C>T. VCF-style: chr1-183235697-C-T. GRCh37 (hg19) VCF-style: chr1-183204832-C-T.
Other names: c.2423C>T (NM_005562.2); c.2423C>T, p.Pro808Leu (NM_018891.3); short protein forms P808L.
Identifiers: ClinVar variation 2142161 (VCV002142161.5), dbSNP rs752690286, ClinGen allele CA1282920.
Genomic context (GRCh38, chr1:183,235,697, plus strand): 5'-AAGCCCTCTCACTGGTGCGCAAGGCCCTGCATGAAGGAGTCGGAAGCGGAAGCGGTAGCC[C>T]GGACGGTGCTGTGGTGCAAGGGCTTGTGGAAAAGTACGTTCCTACGGGTCCTCCCGTGGC-3'
Protein context (NP_005553.2, residues 798-818): HEGVGSGSGS[Pro808Leu]DGAVVQGLVE

ClinVar aggregate classification (germline): Conflicting classifications of pathogenicity. Review status: criteria provided, conflicting classifications (1 of 4 stars). 2 submissions from 2 submitters: Uncertain significance (1); Likely benign (1). Last evaluated 2025-09-15.

Conditions:
Inborn genetic diseases. Identifiers: MedGen C0950123, MeSH D030342.

Allele frequency attached by ClinVar (database versions not stated): gnomAD 0.00003; TOPMed 0.00008; gnomAD exomes 0.00011; ExAC 0.00016.

Submissions (2):

Labcorp Genetics (formerly Invitae), Labcorp
Classification: Uncertain significance. Last evaluated: 2025-09-15. Review status: criteria provided, single submitter. Criteria: Invitae Variant Classification Sherloc (09022015). Collection method: clinical testing. Allele origin: germline.
Comment: This sequence change replaces proline, which is neutral and non-polar, with leucine, which is neutral and non-polar, at codon 808 of the LAMC2 protein (p.Pro808Leu). This variant is present in population databases (rs752690286, gnomAD 0.06%). This variant has not been reported in the literature in individuals affected with LAMC2-related conditions. ClinVar contains an entry for this variant (Variation ID: 2142161). An algorithm developed to predict the effect of missense changes on protein structure and function outputs the following: PolyPhen-2: "Benign". The leucine amino acid residue is found in multiple mammalian species, which suggests that this missense change does not adversely affect protein function. In summary, the available evidence is currently insufficient to determine the role of this variant in disease. Therefore, it has been classified as a Variant of Uncertain Significance.

Ambry Genetics
Classification: Likely benign for Inborn genetic diseases. Last evaluated: 2023-02-14. Review status: criteria provided, single submitter. Criteria: Ambry Variant Classification Scheme 2023. Collection method: clinical testing. Allele origin: germline.